The following is an entry in ClinVar:

NM_024675.4(PALB2):c.3020T>C (p.Met1007Thr)

Gene: PALB2 (partner and localizer of BRCA2; minus strand). Cytogenetic location: 16p12.2.
Variant type: single nucleotide variant.
Coding change: c.3020T>C on transcript NM_024675.4 (MANE Select); coding-DNA position 3020, T replaced by C.
Protein change: p.Met1007Thr; replaces methionine 1007 with threonine.
Molecular consequence: missense variant. On other transcripts: intron variant (1).
Genome position (GRCh38, 1-based): chr16:23,621,455, A>G on the plus strand (T>C on the coding strand, the complement: PALB2 is on the minus strand). VCF-style: chr16-23621455-A-G. GRCh37 (hg19) VCF-style: chr16-23632776-A-G.
Other names: c.2960T>C, p.Met987Thr (NM_001407296.1); c.2948T>C, p.Met983Thr (NM_001407297.1); c.2858T>C, p.Met953Thr (NM_001407298.1, NM_001407302.1); c.3020T>C, p.Met1007Thr (NM_001407299.1, NM_001407301.1); c.2135T>C, p.Met712Thr (NM_001407304.1, NM_001407305.1, NM_001407306.1 and 4 more transcripts); c.1973T>C, p.Met658Thr (NM_001407307.1); c.1232T>C, p.Met411Thr (NM_001407312.1, NM_001407313.1); c.554T>C, p.Met185Thr (NM_001407314.1); and 1 more; short protein forms M1007T, M185T, M411T, M658T, M712T, M953T, M983T, M987T.
Identifiers: ClinVar variation 3894455 (VCV003894455.1).

ClinVar aggregate classification (germline): Uncertain significance (1 of 4 stars; one submission).

Conditions:
Hereditary cancer-predisposing syndrome. Also called: Neoplastic Syndromes, Hereditary; Tumor predisposition; Hereditary Cancer Syndrome; Hereditary neoplastic syndrome. Identifiers: Orphanet 140162, MedGen C0027672, MeSH D009386, MONDO:0015356.

Submission:

Color Diagnostics, LLC DBA Color Health
Classification: Uncertain significance for Hereditary cancer-predisposing syndrome. Last evaluated: 2024-03-04. Review status: criteria provided, single submitter. Criteria: ACMG Guidelines, 2015. Collection method: clinical testing. Allele origin: germline.
Comment: This missense variant replaces methionine with threonine at codon 1007 of the PALB2 protein. Computational prediction suggests that this variant may not impact protein structure and function (internally defined REVEL score threshold <= 0.5, PMID: 27666373). To our knowledge, functional studies have not been reported for this variant. This variant has not been reported in individuals affected with PALB2-related disorders in the literature. This variant has not been identified in the general population by the Genome Aggregation Database (gnomAD). The available evidence is insufficient to determine the role of this variant in disease conclusively. Therefore, this variant is classified as a Variant of Uncertain Significance.